The following is an entry in ClinVar:

ClinVar aggregate classification (germline): Uncertain significance. Review status: criteria provided, multiple submitters, no conflicts (2 of 4 stars). 2 submissions from 2 submitters: Uncertain significance (2). Last evaluated 2026-04-28.

Conditions:
Lymphatic malformation 9. Identifiers: MedGen C5543365, MONDO:0030270, OMIM 619319.

Allele frequency attached by ClinVar (database versions not stated): ExAC 0.00017; gnomAD 0.00017; TOPMed 0.00030; 1000 Genomes Project 30x 0.00031.
gnomAD v4.1: 103 of 1,495,814 alleles (0.0069%); highest among the groups gnomAD compares: Admixed American, 0.071%; no homozygotes.

Submissions (2):

Clinical Genomics Laboratory, Washington University in St. Louis
Classification: Uncertain significance for Lymphatic malformation 9. Last evaluated: 2026-04-28. Review status: criteria provided, single submitter. Criteria: ACMG Guidelines, 2015. Collection method: clinical testing. Allele origin: germline.
Comment: A CELSR1 c.656C>T (p.Pro219Leu) variant was identified at a near heterozygous allelic fraction of 48.8%, a frequency which may be consistent with it being of germline origin. This variant, to our knowledge, has not been reported in the medical literature but has been reported in the ClinVar database as a germline variant of uncertain significance by one submitter (Variation ID: 2349815). It is observed in 103/1,495,814 alleles in the general population (gnomAD v4.1.1). Computational predictors suggest that the variant does not impact CELSR1 function. Due to limited information, and based on ACMG/AMP guidelines for variant interpretation (Richards S et al., PMID: 25741868), the clinical significance of this variant is uncertain at this time.

Ambry Genetics
Classification: Uncertain significance. Last evaluated: 2021-07-08. Review status: criteria provided, single submitter. Criteria: Ambry Variant Classification Scheme 2023. Collection method: clinical testing. Allele origin: germline.

NM_001378328.1(CELSR1):c.656C>T (p.Pro219Leu)

Gene: CELSR1 (cadherin EGF LAG seven-pass G-type receptor 1; minus strand). Cytogenetic location: 22q13.31.
Variant type: single nucleotide variant.
Coding change: c.656C>T on transcript NM_001378328.1 (MANE Select); coding-DNA position 656, C replaced by T.
Protein change: p.Pro219Leu; replaces proline 219 with leucine.
Molecular consequence: missense variant.
Genome position (GRCh38, 1-based): chr22:46,536,515, G>A on the plus strand (C>T on the coding strand, the complement: CELSR1 is on the minus strand). VCF-style: chr22-46536515-G-A. GRCh37 (hg19) VCF-style: chr22-46932412-G-A.
Other names: c.656C>T, p.Pro219Leu (NM_014246.4); short protein forms P219L.
Identifiers: ClinVar variation 2349815 (VCV002349815.3), dbSNP rs113410471, ClinGen allele CA10295664.